The following is an entry in ClinVar:

ClinVar aggregate classification (germline): Pathogenic (1 of 4 stars; one submission).

Conditions:
Hereditary cancer-predisposing syndrome. Also called: Hereditary Cancer Syndrome; Neoplastic Syndromes, Hereditary; Tumor predisposition; Hereditary neoplastic syndrome. Identifiers: Orphanet 140162, MedGen C0027672, MeSH D009386, MONDO:0015356.

Submission:

Ambry Genetics
Classification: Pathogenic for Hereditary cancer-predisposing syndrome. Last evaluated: 2020-01-16. Review status: criteria provided, single submitter. Criteria: Ambry Variant Classification Scheme 2023. Collection method: clinical testing. Allele origin: germline.
Comment: The c.1191delA variant, located in coding exon 4 of the PALB2 gene, results from a deletion of one nucleotide at nucleotide position 1191, causing a translational frameshift with a predicted alternate stop codon (p.V398Cfs*26). This alteration is expected to result in loss of function by premature protein truncation or nonsense-mediated mRNA decay. As such, this alteration is interpreted as a disease-causing mutation.

NM_024675.4(PALB2):c.1191del (p.Val398fs)

Gene: PALB2 (partner and localizer of BRCA2; minus strand). Cytogenetic location: 16p12.2.
Variant type: Deletion.
Coding change: c.1191del on transcript NM_024675.4 (MANE Select); coding-DNA position 1191, one base deleted (A; older notation c.1191delA).
Protein change: p.Val398fs; shifts the reading frame from valine 398.
Molecular consequence: frameshift variant.
Genome position (GRCh38, 1-based): chr16:23,635,355, T deleted on the plus strand (A on the coding strand, the reverse complement: PALB2 is on the minus strand). VCF-style (leftmost placement, unchanged base first): chr16-23635354-CT-C. GRCh37 (hg19) VCF-style: chr16-23646675-CT-C.
Other names: c.1131delA, p.Val378Cysfs (NM_001407296.1); c.1191delA, p.Val398Cysfs (NM_001407297.1, NM_001407298.1, NM_001407299.1 and 3 more transcripts); c.306delA, p.Val103Cysfs (NM_001407304.1, NM_001407305.1, NM_001407306.1 and 5 more transcripts); short protein forms V398fs.
Identifiers: ClinVar variation 1745029 (VCV001745029.2), dbSNP rs2506485904, ClinGen allele CA2580091300.